The following is an entry in ClinVar:

NM_015629.4(PRPF31):c.877C>T (p.Arg293Trp)

Gene: PRPF31 (pre-mRNA processing factor 31; plus strand). Cytogenetic location: 19q13.42.
Variant type: single nucleotide variant.
Coding change: c.877C>T on transcript NM_015629.4 (MANE Select); coding-DNA position 877, C replaced by T.
Protein change: p.Arg293Trp; replaces arginine 293 with tryptophan.
Molecular consequence: missense variant.
Genome position (GRCh38, 1-based): chr19:54,126,549, C>T. VCF-style: chr19-54126549-C-T. GRCh37 (hg19) VCF-style: chr19-54629924-C-T.
Other names: short protein forms R293W.
Identifiers: ClinVar variation 1011300 (VCV001011300.9), dbSNP rs1230858435, ClinGen allele CA407751815.

ClinVar aggregate classification (germline): Uncertain significance (1 of 4 stars; one submission).

gnomAD v4.1: 2 of 1,612,974 alleles (0.00012%); highest among the groups gnomAD compares: Non-Finnish European, 0.00017%; no homozygotes.

Submission:

Labcorp Genetics (formerly Invitae), Labcorp
Classification: Uncertain significance. Last evaluated: 2025-09-02. Review status: criteria provided, single submitter. Criteria: Invitae Variant Classification Sherloc (09022015). Collection method: clinical testing. Allele origin: germline.
Comment: This sequence change replaces arginine, which is basic and polar, with tryptophan, which is neutral and slightly polar, at codon 293 of the PRPF31 protein (p.Arg293Trp). This variant is not present in population databases (gnomAD no frequency). This variant has not been reported in the literature in individuals affected with PRPF31-related conditions. ClinVar contains an entry for this variant (Variation ID: 1011300). An algorithm developed to predict the effect of missense changes on protein structure and function (PolyPhen-2) suggests that this variant is likely to be disruptive. In summary, the available evidence is currently insufficient to determine the role of this variant in disease. Therefore, it has been classified as a Variant of Uncertain Significance.